The following is an entry in ClinVar:

ClinVar aggregate classification (germline): Benign/Likely benign. Review status: criteria provided, multiple submitters, no conflicts (2 of 4 stars). 12 submissions from 12 submitters: Benign (2); Likely benign (10). Last evaluated 2026-08-01.

Conditions:
DSP-related disorder. Also called: DSP-related condition; DSP-related disorders.
Cardiovascular phenotype. Identifiers: MedGen CN230736.
Arrhythmogenic cardiomyopathy with wooly hair and keratoderma. Also called: PALMOPLANTAR KERATODERMA WITH LEFT VENTRICULAR CARDIOMYOPATHY AND WOOLLY HAIR; Carvajal syndrome; Dilated cardiomyopathy with woolly hair and keratoderma; Arrhythmogenic cardiomyopathy with woolly hair and keratoderma. Identifiers: Orphanet 65282, MedGen C1854063, MONDO:0011581, OMIM 605676.
Arrhythmogenic right ventricular dysplasia 8 (ARVD8). Also called: ARRHYTHMOGENIC RIGHT VENTRICULAR DYSPLASIA, FAMILIAL, 8; ARRHYTHMOGENIC RIGHT VENTRICULAR CARDIOMYOPATHY 8; Arrhythmogenic Right Ventricular Dysplasia/Cardiomyopathy 8. Identifiers: MedGen C1843896, MONDO:0011831, OMIM 607450.
Cardiomyopathy (CMYO). Also called: Cardiomyopathies. Identifiers: Orphanet 167848, MedGen C0878544, MONDO:0004994, HP:0001638. Inheritance: Various modes of inheritance.
Primary dilated cardiomyopathy (DCM). Also called: Dilated Cardiomyopathy. Identifiers: Orphanet 217604, MedGen C0007193, MeSH D002311, MONDO:0005021, HP:0001644. Inheritance: Various modes of inheritance.

Allele frequency attached by ClinVar (database versions not stated): gnomAD exomes 0.00002 and 0.00005; ExAC 0.00003; ESP Exome Variant Server 0.00008; gnomAD 0.00017 and 0.00019; TOPMed 0.00025.
gnomAD v4.1: 58 of 1,614,074 alleles (0.0036%); highest among the groups gnomAD compares: African/African-American, 0.068%; no homozygotes.

Submissions (12):

CeGaT Center for Human Genetics Tuebingen
Classification: Likely benign. Last evaluated: 2026-08-01. Review status: criteria provided, single submitter. Criteria: CeGaT Center For Human Genetics Tuebingen Variant Classification Criteria Version 2. Collection method: clinical testing. Allele origin: germline. Affected: yes. Observed: 3 variant alleles.
Comment: DSP: BP4, BP7

Labcorp Genetics (formerly Invitae), Labcorp
Classification: Likely benign for Arrhythmogenic cardiomyopathy with wooly hair and keratoderma; Arrhythmogenic right ventricular dysplasia 8. Last evaluated: 2026-02-01. Review status: criteria provided, single submitter. Criteria: Invitae Variant Classification Sherloc (09022015). Collection method: clinical testing. Allele origin: germline.

PreventionGenetics, part of Exact Sciences
Classification: Likely benign for DSP-related condition. Last evaluated: 2025-10-20. Review status: criteria provided, single submitter. Criteria: ACMG Guidelines, 2015. Collection method: clinical testing. Allele origin: germline.
Comment: This variant is classified as likely benign based on ACMG/AMP sequence variant interpretation guidelines (Richards et al. 2015 PMID: 25741868, with internal and published modifications).

Molecular Diagnostic Laboratory for Inherited Cardiovascular Disease, Montreal Heart Institute
Classification: Benign. Last evaluated: 2025-02-17. Review status: criteria provided, single submitter. Criteria: ACMG Guidelines, 2015. Collection method: clinical testing. Allele origin: germline. Affected: no.

Blueprint Genetics
Classification: Likely benign. Last evaluated: 2023-09-16. Review status: criteria provided, single submitter. Criteria: ACMG Guidelines, 2015. Collection method: clinical testing. Allele origin: germline.

Women's Health and Genetics/Laboratory Corporation of America, LabCorp
Classification: Benign. Last evaluated: 2019-04-22. Review status: criteria provided, single submitter. Criteria: LabCorp Variant Classification Summary - May 2015. Collection method: clinical testing. Allele origin: germline.
Comment: Variant summary: DSP c.8415C>T alters a non-conserved nucleotide resulting in a synonymous change. 5/5 computational tools predict no significant impact on normal splicing. However, these predictions have yet to be confirmed by functional studies. The variant allele was found at a frequency of 4.8e-05 in 251058 control chromosomes, predominantly at a frequency of 0.00076 within the African or African-American subpopulation in the gnomAD database. The observed variant frequency within African or African-American control individuals in the gnomAD database is approximately 76 fold of the estimated maximal expected allele frequency for a pathogenic variant in DSP causing Arrhythmia phenotype (1e-05), strongly suggesting that the variant is a benign polymorphism found primarily in populations of African or African-American origin. The variant is cited in a publication, Patel_2014, with no additional information. Two ClinVar submissions from clinical diagnostic laboratories (evaluation after 2014) cites the variant as likely benign. Based on the evidence outlined above, the variant was classified as benign.

Color Diagnostics, LLC DBA Color Health
Classification: Likely benign for Cardiomyopathy. Last evaluated: 2018-10-16. Review status: criteria provided, single submitter. Criteria: ACMG Guidelines, 2015. Collection method: clinical testing. Allele origin: germline.

GeneDx
Classification: Likely benign. Last evaluated: 2018-05-23. Review status: criteria provided, single submitter. Criteria: GeneDx Variant Classification Process June 2021. Collection method: clinical testing. Allele origin: germline. Affected: yes.

Ambry Genetics
Classification: Likely benign for Cardiovascular phenotype. Last evaluated: 2016-12-09. Review status: criteria provided, single submitter. Criteria: Ambry Variant Classification Scheme 2023. Collection method: clinical testing. Allele origin: germline.

Laboratory for Molecular Medicine, Mass General Brigham Personalized Medicine
Classification: Likely benign. Last evaluated: 2014-07-23. Review status: criteria provided, single submitter. Criteria: LMM Criteria. Collection method: clinical testing. Allele origin: germline. Observed: 1 variant allele.
Comment: Ala2805Ala in exon 24 of DSP: This variant is not expected to have clinical sign ificance because it does not alter an amino acid residue and is not located with in the splice consensus sequence. It has been identified in 1/4406 African Ameri can chromosomes by the NHLBI Exome Sequencing Project (. edu/EVS/). Ala2805Ala in exon 24 of DSP (allele frequency = 1/4406) **

Breakthrough Genomics
Classification: Likely benign. Review status: criteria provided, single submitter. Criteria: ACMG Guidelines, 2015. Collection method: not provided. Allele origin: germline. Inheritance: Autosomal recessive inheritance. Affected: yes.

Genetics and Genomics Program, Sidra Medicine
Classification: Likely benign for Primary dilated cardiomyopathy. Review status: criteria provided, single submitter. Criteria: ACMG Guidelines, 2015. Collection method: research. Allele origin: unknown. Affected: yes. Observed: 1 variant allele.

Literature cited by the submitters: PubMed 25225338 (cited by Women's Health and Genetics/Laboratory Corporation of America, LabCorp).

NM_004415.4(DSP):c.8415C>T (p.Ala2805=)

Gene: DSP (desmoplakin; plus strand). Cytogenetic location: 6p24.3.
Variant type: single nucleotide variant.
Coding change: c.8415C>T on transcript NM_004415.4 (MANE Select); coding-DNA position 8415, C replaced by T.
Protein change: p.Ala2805=; no amino-acid change (alanine 2805 retained).
Molecular consequence: synonymous variant.
Genome position (GRCh38, 1-based): chr6:7,585,677, C>T. VCF-style: chr6-7585677-C-T. GRCh37 (hg19) VCF-style: chr6-7585910-C-T.
Other names: c.6618C>T, p.Ala2206= (NM_001008844.3); c.7086C>T, p.Ala2362= (NM_001319034.2).
Identifiers: ClinVar variation 163290 (VCV000163290.42), dbSNP rs377148997, ClinGen allele CA007523.